The following is an entry in ClinVar:

NM_001077446.4(TSEN34):c.*1163C>G

Gene: TSEN34 (tRNA splicing endonuclease subunit 34; plus strand). Cytogenetic location: 19q13.42.
Variant type: single nucleotide variant.
Coding change: c.*1163C>G on transcript NM_001077446.4 (MANE Select); 1163 bases downstream of the stop codon, C replaced by G.
Molecular consequence: 3 prime UTR variant.
Genome position (GRCh38, 1-based): chr19:54,194,525, C>G. VCF-style: chr19-54194525-C-G. GRCh37 (hg19) VCF-style: chr19-54698383-C-G.
Other names: c.*1163C>G (NM_001282332.2, NM_001386740.1, NM_024075.5); c.*854C>G (NM_001282333.2).
Identifiers: ClinVar variation 330151 (VCV000330151.5), dbSNP rs115093373, ClinGen allele CA309378291.
Genomic context (GRCh38, chr19:54,194,525, plus strand): 5'-CATGTTTTTGCTTAAGAAAGTACTAGAACACTACCACTATTCCAATAATTACACCTTTAT[C>G]TTATCAATGTGCAGTTTTATTTTGTCACGTTTATTTTGTCAGTGTAATACATTCACATGG-3'

ClinVar aggregate classification (germline): Benign (1 of 4 stars; one submission).

Conditions:
Pontoneocerebellar hypoplasia. Also called: Pontocerebellar hypoplasia; Non-syndromic pontocerebellar hypoplasia. Identifiers: Orphanet 98523, MedGen C1261175, MONDO:0020135.

Allele frequency attached by ClinVar (database versions not stated): 1000 Genomes Project 0.00958; 1000 Genomes Project 30x 0.01046; TOPMed 0.01155.

Submission:

Illumina Laboratory Services, Illumina
Classification: Benign for Pontoneocerebellar hypoplasia. Last evaluated: 2018-01-13. Review status: criteria provided, single submitter. Criteria: ICSL Variant Classification Criteria 13 December 2019. Collection method: clinical testing. Allele origin: germline.
Comment: This variant was observed in the ICSL laboratory as part of a predisposition screen in an ostensibly healthy population. It had not been previously curated by ICSL or reported in the Human Gene Mutation Database (HGMD: prior to June 1st, 2018), and was therefore a candidate for classification through an automated scoring system. Utilizing variant allele frequency, disease prevalence and penetrance estimates, and inheritance mode, an automated score was calculated to assess if this variant is too frequent to cause the disease. Based on the score and internal cut-off values, a variant classified as benign is not then subjected to further curation. The score for this variant resulted in a classification of benign for this disease.